The following is an entry in ClinVar:

NM_005228.5(EGFR):c.481A>G (p.Ser161Gly)

Gene: EGFR (epidermal growth factor receptor; plus strand). Cytogenetic location: 7p11.2.
Variant type: single nucleotide variant.
Coding change: c.481A>G on transcript NM_005228.5 (MANE Select); coding-DNA position 481, A replaced by G.
Protein change: p.Ser161Gly; replaces serine 161 with glycine.
Molecular consequence: missense variant. On other transcripts: intron variant (3).
Genome position (GRCh38, 1-based): chr7:55,146,662, A>G. VCF-style: chr7-55146662-A-G. GRCh37 (hg19) VCF-style: chr7-55214355-A-G.
Other names: c.481A>G, p.Ser161Gly (NM_001346898.2, NM_201282.2, NM_201283.2 and 1 more transcripts); c.322A>G, p.Ser108Gly (NM_001346900.2); c.424+3174A>G (NM_001346899.2, NM_001346897.2); c.89-9168A>G (NM_001346941.2); short protein forms S108G, S161G.
Identifiers: ClinVar variation 4842923 (VCV004842923.1).
Genomic context (GRCh38, chr7:55,146,662, plus strand): 5'-GCAGAAATCCTGCATGGCGCCGTGCGGTTCAGCAACAACCCTGCCCTGTGCAACGTGGAG[A>G]GCATCCAGTGGCGGGACATAGTCAGCAGTGACTTTCTCAGCAACATGTCGATGGACTTCC-3'
Protein context (NP_005219.2, residues 151-171): SNNPALCNVE[Ser161Gly]IQWRDIVSSD

ClinVar aggregate classification (germline): Uncertain significance (1 of 4 stars; one submission).

Conditions:
Hereditary cancer-predisposing syndrome. Also called: Neoplastic Syndromes, Hereditary; Tumor predisposition; Hereditary Cancer Syndrome; Hereditary neoplastic syndrome. Identifiers: Orphanet 140162, MedGen C0027672, MeSH D009386, MONDO:0015356.

Submission:

Ambry Genetics
Classification: Uncertain significance for Hereditary cancer-predisposing syndrome. Last evaluated: 2026-01-03. Review status: criteria provided, single submitter. Criteria: Ambry Variant Classification Scheme 2023. Collection method: clinical testing. Allele origin: germline.
Comment: The p.S161G variant (also known as c.481A>G), located in coding exon 4 of the EGFR gene, results from an A to G substitution at nucleotide position 481. The serine at codon 161 is replaced by glycine, an amino acid with similar properties. This amino acid position is conserved. In addition, this alteration is predicted to be tolerated by in silico analysis. Based on the available evidence, the clinical significance of this variant remains unclear.